The following is an entry in ClinVar:

ClinVar aggregate classification (germline): Likely benign. Review status: criteria provided, single submitter (1 of 4 stars). 2 submissions from 2 submitters: Likely benign (1). 1 of the submissions does not count toward it. Last evaluated 2026-01-31.

Conditions:
GCGR-related disorder. Also called: GCGR-related condition.

Allele frequency attached by ClinVar (database versions not stated): TOPMed 0.00026; ExAC 0.00035; gnomAD 0.00044; 1000 Genomes Project 0.00100; 1000 Genomes Project 30x 0.00141.

Submissions (2):

Labcorp Genetics (formerly Invitae), Labcorp
Classification: Likely benign. Last evaluated: 2026-01-31. Review status: criteria provided, single submitter. Criteria: Invitae Variant Classification Sherloc (09022015). Collection method: clinical testing. Allele origin: germline.

PreventionGenetics, part of Exact Sciences
Classification: Benign for GCGR-related condition. Last evaluated: 2020-05-15. Review status: no assertion criteria provided. Collection method: clinical testing. Allele origin: germline. Not counted in ClinVar's aggregate classification.
Comment: This variant is classified as benign based on ACMG/AMP sequence variant interpretation guidelines (Richards et al. 2015 PMID: 25741868, with internal and published modifications).

NM_000160.5(GCGR):c.1382C>T (p.Ala461Val)

Gene: GCGR (glucagon receptor; plus strand). Cytogenetic location: 17q25.3.
Variant type: single nucleotide variant.
Coding change: c.1382C>T on transcript NM_000160.5 (MANE Select); coding-DNA position 1382, C replaced by T.
Protein change: p.Ala461Val; replaces alanine 461 with valine.
Molecular consequence: missense variant.
Genome position (GRCh38, 1-based): chr17:81,813,637, C>T. VCF-style: chr17-81813637-C-T. GRCh37 (hg19) VCF-style: chr17-79771513-C-T.
Other names: c.1382C>T (NM_000160.4); short protein forms A461V.
Identifiers: ClinVar variation 2045734 (VCV002045734.6), dbSNP rs13306383, ClinGen allele CA8842240.